The following is an entry in ClinVar:

ClinVar aggregate classification (germline): Uncertain significance (1 of 4 stars; one submission).

Submission:

Athena Diagnostics
Classification: Uncertain significance. Last evaluated: 2025-03-26. Review status: criteria provided, single submitter. Criteria: Athena Diagnostics Criteria. Collection method: clinical testing. Allele origin: unknown.
Comment: Available data are insufficient to determine the clinical significance of the variant at this time. This variant has not been reported in large, multi-ethnic general populations. This variant is not expected to cause loss of protein expression through nonsense-mediated decay. However, it may still disrupt protein function.

NM_213599.3(ANO5):c.2534T>G (p.Leu845Ter)

Gene: ANO5 (anoctamin 5; plus strand). Cytogenetic location: 11p14.3.
Variant type: single nucleotide variant.
Coding change: c.2534T>G on transcript NM_213599.3 (MANE Select); coding-DNA position 2534, T replaced by G.
Protein change: p.Leu845Ter; replaces leucine 845 with a stop codon.
Molecular consequence: nonsense.
Genome position (GRCh38, 1-based): chr11:22,279,557, T>G. VCF-style: chr11-22279557-T-G. GRCh37 (hg19) VCF-style: chr11-22301103-T-G.
Other names: c.2531T>G, p.Leu844Ter (NM_001142649.2); c.2492T>G, p.Leu831Ter (NM_001410963.1); c.2489T>G, p.Leu830Ter (NM_001410964.1); c.2456T>G, p.Leu819Ter (NM_001441294.1); c.2453T>G, p.Leu818Ter (NM_001441295.1); c.2441T>G, p.Leu814Ter (NM_001441296.1); c.2414T>G, p.Leu805Ter (NM_001441297.1); c.2378T>G, p.Leu793Ter (NM_001441298.1); and 4 more; short protein forms L683*, L699*, L700*, L792*, L793*, L805*, L814*, L818*.
Identifiers: ClinVar variation 4682360 (VCV004682360.1).